The following is an entry in ClinVar:

ClinVar aggregate classification (germline): Uncertain significance (1 of 4 stars; one submission).

Conditions:
Dyskeratosis congenita, autosomal dominant 6 (DKCA6). Identifiers: Orphanet 3322, MedGen C4225284, MONDO:0014690, OMIM 616553.

Submission:

Labcorp Genetics (formerly Invitae), Labcorp
Classification: Uncertain significance for Dyskeratosis congenita, autosomal dominant 6. Last evaluated: 2024-05-02. Review status: criteria provided, single submitter. Criteria: Invitae Variant Classification Sherloc (09022015). Collection method: clinical testing. Allele origin: germline.
Comment: This sequence change falls in intron 10 of the ACD gene. It does not directly change the encoded amino acid sequence of the ACD protein. This variant is not present in population databases (gnomAD no frequency). This variant has not been reported in the literature in individuals affected with ACD-related conditions. Algorithms developed to predict the effect of sequence changes on RNA splicing suggest that this variant may disrupt the consensus splice site. In summary, the available evidence is currently insufficient to determine the role of this variant in disease. Therefore, it has been classified as a Variant of Uncertain Significance.

NM_001082486.2(ACD):c.1207-5T>C

Gene: ACD (ACD shelterin complex subunit and telomerase recruitment factor; minus strand). Cytogenetic location: 16q22.1.
Variant type: single nucleotide variant.
Coding change: c.1207-5T>C on transcript NM_001082486.2 (MANE Select); 5 bases into the intron before coding-DNA position 1207, T replaced by C.
Molecular consequence: intron variant.
Genome position (GRCh38, 1-based): chr16:67,657,858, A>G on the plus strand (T>C on the coding strand, the complement: ACD is on the minus strand). VCF-style: chr16-67657858-A-G. GRCh37 (hg19) VCF-style: chr16-67691761-A-G.
Other names: c.1198-5T>C (NM_022914.3); c.1120-5T>C (NM_001410884.1).
Identifiers: ClinVar variation 3688877 (VCV003688877.2).